The following is an entry in ClinVar:

NM_001378454.1(ALMS1):c.10415C>A (p.Thr3472Asn)

Gene: ALMS1 (ALMS1 centrosome and basal body associated protein; plus strand). Cytogenetic location: 2p13.1.
Variant type: single nucleotide variant.
Coding change: c.10415C>A on transcript NM_001378454.1 (MANE Select); coding-DNA position 10415, C replaced by A.
Protein change: p.Thr3472Asn; replaces threonine 3472 with asparagine.
Molecular consequence: missense variant.
Genome position (GRCh38, 1-based): chr2:73,572,292, C>A. VCF-style: chr2-73572292-C-A. GRCh37 (hg19) VCF-style: chr2-73799419-C-A.
Other names: c.10418C>A, p.Thr3473Asn (NM_015120.4); short protein forms T3472N, T3473N.
Identifiers: ClinVar variation 1774117 (VCV001774117.2), dbSNP rs753560500, ClinGen allele CA50386110.

ClinVar aggregate classification (germline): Uncertain significance (1 of 4 stars; one submission).

Conditions:
Cardiovascular phenotype. Identifiers: MedGen CN230736.

Allele frequency attached by ClinVar (database versions not stated): gnomAD exomes below 0.00001.
gnomAD v4.1: 6 of 1,608,234 alleles (0.00037%); highest among the groups gnomAD compares: Non-Finnish European, 0.00051%; no homozygotes.

Submission:

Ambry Genetics
Classification: Uncertain significance for Cardiovascular phenotype. Last evaluated: 2019-01-31. Review status: criteria provided, single submitter. Criteria: Ambry Variant Classification Scheme 2023. Collection method: clinical testing. Allele origin: germline.
Comment: The p.T3473N variant (also known as c.10418C>A), located in coding exon 16 of the ALMS1 gene, results from a C to A substitution at nucleotide position 10418. The threonine at codon 3473 is replaced by asparagine, an amino acid with similar properties. This amino acid position is highly conserved in available vertebrate species. In addition, this alteration is predicted to be tolerated by in silico analysis. Since supporting evidence is limited at this time, the clinical significance of this alteration remains unclear.